The following is an entry in ClinVar:

ClinVar aggregate classification (germline): Uncertain significance (1 of 4 stars; one submission).

Conditions:
Alstrom syndrome (ALMS). Identifiers: Orphanet 64, MedGen C0268425, MONDO:0008763, OMIM 203800.

gnomAD v4.1: 1 of 1,613,920 alleles (0.000062%); highest among the groups gnomAD compares: East Asian, 0.0022%; no homozygotes.

Submission:

Labcorp Genetics (formerly Invitae), Labcorp
Classification: Uncertain significance for Alstrom syndrome. Last evaluated: 2022-05-25. Review status: criteria provided, single submitter. Criteria: Invitae Variant Classification Sherloc (09022015). Collection method: clinical testing. Allele origin: germline.
Comment: In summary, the available evidence is currently insufficient to determine the role of this variant in disease. Therefore, it has been classified as a Variant of Uncertain Significance. Experimental studies and prediction algorithms are not available or were not evaluated, and the functional significance of this variant is currently unknown. This variant has not been reported in the literature in individuals affected with ALMS1-related conditions. This variant is present in population databases (no rsID available, gnomAD 0.06%). This sequence change replaces proline, which is neutral and non-polar, with glutamine, which is neutral and polar, at codon 1094 of the ALMS1 protein (p.Pro1094Gln).

NM_001378454.1(ALMS1):c.3278C>A (p.Pro1093Gln)

Gene: ALMS1 (ALMS1 centrosome and basal body associated protein; plus strand). Cytogenetic location: 2p13.1.
Variant type: single nucleotide variant.
Coding change: c.3278C>A on transcript NM_001378454.1 (MANE Select); coding-DNA position 3278, C replaced by A.
Protein change: p.Pro1093Gln; replaces proline 1093 with glutamine.
Molecular consequence: missense variant.
Genome position (GRCh38, 1-based): chr2:73,449,805, C>A. VCF-style: chr2-73449805-C-A. GRCh37 (hg19) VCF-style: chr2-73676932-C-A.
Other names: c.3281C>A, p.Pro1094Gln (NM_015120.4); short protein forms P1093Q, P1094Q.
Identifiers: ClinVar variation 1998556 (VCV001998556.4), dbSNP rs766187468, ClinGen allele CA347274762.